The following is an entry in ClinVar:

ClinVar aggregate classification (germline): Uncertain significance (1 of 4 stars; one submission).

Conditions:
CEP290-related disorder. Also called: CEP290-related condition; CEP290-related disorders. Identifiers: MedGen CN239314.

gnomAD v4.1: 1 of 1,489,900 alleles (0.000067%); highest among the groups gnomAD compares: Admixed American, 0.0025%; no homozygotes.

Submission:

PreventionGenetics, part of Exact Sciences
Classification: Uncertain significance for CEP290-related condition. Last evaluated: 2024-11-22. Review status: criteria provided, single submitter. Criteria: ACMG Guidelines, 2015. Collection method: clinical testing. Allele origin: germline.
Comment: The CEP290 c.6135+5G>A variant is predicted to interfere with splicing. This variant is predicted to disrupt a canonical splice donor site based on prediction algorithms (SpliceAI, Jaganathan et al. 2019. PubMed ID: 30661751). To our knowledge, this variant has not been reported in the literature or in a large population database (gnomAD), indicating this variant is rare. While we suspected this variant could be pathogenic, at this time the clinical significance of this variant is uncertain due to the absence of conclusive functional and genetic evidence.

NM_025114.4(CEP290):c.6135+5G>A

Gene: CEP290 (centrosomal protein 290; minus strand). Cytogenetic location: 12q21.32.
Variant type: single nucleotide variant.
Coding change: c.6135+5G>A on transcript NM_025114.4 (MANE Select); 5 bases into the intron after coding-DNA position 6135, G replaced by A.
Molecular consequence: intron variant.
Genome position (GRCh38, 1-based): chr12:88,068,517, C>T on the plus strand (G>A on the coding strand, the complement: CEP290 is on the minus strand). VCF-style: chr12-88068517-C-T. GRCh37 (hg19) VCF-style: chr12-88462294-C-T.
Identifiers: ClinVar variation 4982449 (VCV004982449.1).
Genomic context (GRCh38, chr12:88,068,517, plus strand): 5'-TTGATTTCACTTTCATGCATTTTAACATGGAAAAAAGAAAAAAATAATAAAAGATATACA[C>T]TTACTGAAGGCTTAGAATATGTATCCTTTGAAAACTGTTTTTCTAAAGCATGAAGTTTTT-3'